The following is an entry in ClinVar:

ClinVar aggregate classification (germline): Uncertain significance (1 of 4 stars; one submission).

Conditions:
Hereditary cancer-predisposing syndrome. Also called: Neoplastic Syndromes, Hereditary; Tumor predisposition; Hereditary Cancer Syndrome; Hereditary neoplastic syndrome. Identifiers: Orphanet 140162, MedGen C0027672, MeSH D009386, MONDO:0015356.

Submission:

Ambry Genetics
Classification: Uncertain significance for Hereditary cancer-predisposing syndrome. Last evaluated: 2026-05-19. Review status: criteria provided, single submitter. Criteria: Ambry Variant Classification Scheme 2023. Collection method: clinical testing. Allele origin: germline.
Comment: The p.S474G variant (also known as c.1420A>G), located in coding exon 15 of the RB1 gene, results from an A to G substitution at nucleotide position 1420. The serine at codon 474 is replaced by glycine, an amino acid with similar properties. This amino acid position is highly conserved in available vertebrate species. In addition, this alteration is predicted to be deleterious by in silico analysis. Based on the available evidence, the clinical significance of this variant remains unclear.

NM_000321.3(RB1):c.1420A>G (p.Ser474Gly)

Gene: RB1 (RB transcriptional corepressor 1; plus strand). Cytogenetic location: 13q14.2.
Variant type: single nucleotide variant.
Coding change: c.1420A>G on transcript NM_000321.3 (MANE Select); coding-DNA position 1420, A replaced by G.
Protein change: p.Ser474Gly; replaces serine 474 with glycine.
Molecular consequence: missense variant.
Genome position (GRCh38, 1-based): chr13:48,380,083, A>G. VCF-style: chr13-48380083-A-G. GRCh37 (hg19) VCF-style: chr13-48954219-A-G.
Other names: c.1420A>G, p.Ser474Gly (NM_001407165.1, NM_001407166.1); short protein forms S474G.
Identifiers: ClinVar variation 4863004 (VCV004863004.1).